The following is an entry in ClinVar:

NM_018486.3(HDAC8):c.182T>G (p.Val61Gly)

Gene: HDAC8 (histone deacetylase 8; minus strand). Cytogenetic location: Xq13.1.
Variant type: single nucleotide variant.
Coding change: c.182T>G on transcript NM_018486.3 (MANE Select); coding-DNA position 182, T replaced by G.
Protein change: p.Val61Gly; replaces valine 61 with glycine.
Molecular consequence: missense variant. On other transcripts: non-coding transcript variant (1), intron variant (2).
Genome position (GRCh38, 1-based): chrX:72,568,867, A>C on the plus strand (T>G on the coding strand, the complement: HDAC8 is on the minus strand). VCF-style: chrX-72568867-A-C. GRCh37 (hg19) VCF-style: chrX-71788717-A-C.
Other names: c.182T>G, p.Val61Gly (NM_001166419.2, NM_001166420.2, NM_001166422.2); c.164+3190T>G (NM_001166418.2, NM_001166448.2); short protein forms V61G.
Identifiers: ClinVar variation 932082 (VCV000932082.3), dbSNP rs2051901690, ClinGen allele CA413575883.

ClinVar aggregate classification (germline): Uncertain significance (1 of 4 stars; one submission).

Conditions:
Cornelia de Lange syndrome 5 (CDLS5). Also called: HDAC8-Related Cornelia de Lange Syndrome. Identifiers: Orphanet 199, MedGen C3550903, MONDO:0010471, OMIM 300882.

Submission:

Centre for Mendelian Genomics, University Medical Centre Ljubljana
Classification: Uncertain significance for Cornelia de Lange syndrome 5. Last evaluated: 2019-06-03. Review status: criteria provided, single submitter. Criteria: ACMG Guidelines, 2015. Collection method: clinical testing. Allele origin: unknown. Affected: yes.
Comment: This variant was classified as: Uncertain significance. The available evidence on this variant's pathogenicity is insufficient or conflicting. The following ACMG criteria were applied in classifying this variant: PM2,BP4. This variant was detected in hemizygous state.